The following is an entry in ClinVar:

NM_007348.4(ATF6):c.1535G>A (p.Gly512Asp)

Gene: ATF6 (activating transcription factor 6; plus strand). Cytogenetic location: 1q23.3.
Variant type: single nucleotide variant.
Coding change: c.1535G>A on transcript NM_007348.4 (MANE Select); coding-DNA position 1535, G replaced by A.
Protein change: p.Gly512Asp; replaces glycine 512 with aspartic acid.
Molecular consequence: missense variant.
Genome position (GRCh38, 1-based): chr1:161,860,208, G>A. VCF-style: chr1-161860208-G-A. GRCh37 (hg19) VCF-style: chr1-161829998-G-A.
Other names: c.1535G>A, p.Gly512Asp (NM_001410890.1); short protein forms G512D.
Identifiers: ClinVar variation 1900183 (VCV001900183.2), dbSNP rs1395738616, ClinGen allele CA343382475.

ClinVar aggregate classification (germline): Uncertain significance (1 of 4 stars; one submission).

Allele frequency attached by ClinVar (database versions not stated): gnomAD exomes below 0.00001.
gnomAD v4.1: 3 of 1,572,660 alleles (0.00019%); highest among the groups gnomAD compares: South Asian, 0.0036%; no homozygotes.

Submission:

Labcorp Genetics (formerly Invitae), Labcorp
Classification: Uncertain significance. Last evaluated: 2022-06-28. Review status: criteria provided, single submitter. Criteria: Invitae Variant Classification Sherloc (09022015). Collection method: clinical testing. Allele origin: germline.
Comment: This sequence change replaces glycine, which is neutral and non-polar, with aspartic acid, which is acidic and polar, at codon 512 of the ATF6 protein (p.Gly512Asp). The frequency data for this variant in the population databases is considered unreliable, as metrics indicate poor data quality at this position in the gnomAD database. This variant has not been reported in the literature in individuals affected with ATF6-related conditions. Algorithms developed to predict the effect of missense changes on protein structure and function (SIFT, PolyPhen-2, Align-GVGD) all suggest that this variant is likely to be tolerated. In summary, the available evidence is currently insufficient to determine the role of this variant in disease. Therefore, it has been classified as a Variant of Uncertain Significance.